The following is an entry in ClinVar:

NM_002381.5(MATN3):c.650_651delinsAA (p.Leu217Gln)

Gene: MATN3 (matrilin 3; minus strand). Cytogenetic location: 2p24.1.
Variant type: Indel.
Coding change: c.650_651delinsAA on transcript NM_002381.5 (MANE Select); coding-DNA positions 650 to 651, TC replaced by AA.
Protein change: p.Leu217Gln; replaces leucine 217 with glutamine.
Molecular consequence: missense variant.
Genome position (GRCh38, 1-based): chr2:20,005,883-20,005,884, GA replaced by TT on the plus strand (TC replaced by AA on the coding strand, the reverse complement: MATN3 is on the minus strand). VCF-style: chr2-20005883-GA-TT. GRCh37 (hg19) VCF-style: chr2-20205644-GA-TT.
Other names: short protein forms L217Q.
Identifiers: ClinVar variation 2820478 (VCV002820478.3), dbSNP rs2527702736, ClinGen allele CA2739274136.

ClinVar aggregate classification (germline): Uncertain significance (1 of 4 stars; one submission).

Submission:

Labcorp Genetics (formerly Invitae), Labcorp
Classification: Uncertain significance. Last evaluated: 2022-12-12. Review status: criteria provided, single submitter. Criteria: Invitae Variant Classification Sherloc (09022015). Collection method: clinical testing. Allele origin: germline.
Comment: Algorithms developed to predict the effect of missense changes on protein structure and function are either unavailable or do not agree on the potential impact of this missense change (SIFT: "Not Available"; PolyPhen-2: "Probably Damaging"; Align-GVGD: "Not Available"). This variant has not been reported in the literature in individuals affected with MATN3-related conditions. Information on the frequency of this variant in the gnomAD database is not available, as this variant may be reported differently in the database. This sequence change replaces leucine, which is neutral and non-polar, with glutamine, which is neutral and polar, at codon 217 of the MATN3 protein (p.Leu217Gln). In summary, the available evidence is currently insufficient to determine the role of this variant in disease. Therefore, it has been classified as a Variant of Uncertain Significance.